The following is an entry in ClinVar:

ClinVar aggregate classification (germline): Uncertain significance (1 of 4 stars; one submission).

Submission:

Women's Health and Genetics/Laboratory Corporation of America, LabCorp
Classification: Uncertain significance. Last evaluated: 2026-05-20. Review status: criteria provided, single submitter. Criteria: LabCorp Variant Classification Summary - May 2015. Collection method: clinical testing. Allele origin: germline.
Comment: Variant summary: CIC c.-17C>A (also known as c.2795-2083C>A in NM_001304815) is located in the untranslated mRNA region upstream of the initiation codon. The variant allele was found at a frequency of 7.3e-06 in 137336 control chromosomes (gnomAD). The available data on variant occurrences in the general population are insufficient to allow any conclusion about variant significance. To our knowledge, no occurrence of c.-17C>A in individuals affected with CIC-related conditions and no experimental evidence demonstrating its impact on protein function have been reported. No submitters have cited clinical-significance assessments for this variant to ClinVar. Based on the evidence outlined above, the variant was classified as uncertain significance.

NM_001386298.1(CIC):c.2795-2083C>A

Gene: CIC (capicua transcriptional repressor; plus strand). Cytogenetic location: 19q13.2.
Variant type: single nucleotide variant.
Coding change: c.2795-2083C>A on transcript NM_001386298.1 (MANE Select); 2083 bases into the intron before coding-DNA position 2795, C replaced by A.
Molecular consequence: intron variant. On other transcripts: 5 prime UTR variant (6).
Genome position (GRCh38, 1-based): chr19:42,284,688, C>A. VCF-style: chr19-42284688-C-A. GRCh37 (hg19) VCF-style: chr19-42788840-C-A.
Other names: c.-17C>A (NM_001379484.1, NM_001379485.1, NM_001439189.1 and 3 more transcripts); c.2795-2083C>A (NM_001304815.2, NM_001439186.1, NM_001439183.1 and 6 more transcripts).
Identifiers: ClinVar variation 4853766 (VCV004853766.1).